The following is an entry in ClinVar:

ClinVar aggregate classification (germline): Uncertain significance (1 of 4 stars; one submission).

gnomAD v4.1: 1 of 1,456,536 alleles (0.000069%); highest among the groups gnomAD compares: East Asian, 0.003%; no homozygotes.

Submission:

Labcorp Genetics (formerly Invitae), Labcorp
Classification: Uncertain significance. Last evaluated: 2025-12-01. Review status: criteria provided, single submitter. Criteria: Invitae Variant Classification Sherloc (09022015). Collection method: clinical testing. Allele origin: germline.
Comment: This sequence change replaces glutamine, which is neutral and polar, with arginine, which is basic and polar, at codon 136 of the GRIN2D protein (p.Gln136Arg). This variant is not present in population databases (gnomAD no frequency). This variant has not been reported in the literature in individuals affected with GRIN2D-related conditions. Invitae Evidence Modeling of protein sequence and biophysical properties (such as structural, functional, and spatial information, amino acid conservation, physicochemical variation, residue mobility, and thermodynamic stability) indicates that this missense variant is not expected to disrupt GRIN2D protein function with a negative predictive value of 80%. In summary, the available evidence is currently insufficient to determine the role of this variant in disease. Therefore, it has been classified as a Variant of Uncertain Significance.

NM_000836.4(GRIN2D):c.407A>G (p.Gln136Arg)

Genes: GRIN2D (glutamate ionotropic receptor NMDA type subunit 2D; plus strand), LOC130064856 (ATAC-STARR-seq lymphoblastoid silent region 10880; plus strand). Cytogenetic location: 19q13.33.
Variant type: single nucleotide variant.
Coding change: c.407A>G on transcript NM_000836.4 (MANE Select); coding-DNA position 407, A replaced by G.
Protein change: p.Gln136Arg; replaces glutamine 136 with arginine.
Molecular consequence: missense variant.
Genome position (GRCh38, 1-based): chr19:48,398,799, A>G. VCF-style: chr19-48398799-A-G. GRCh37 (hg19) VCF-style: chr19-48902056-A-G.
Other names: short protein forms Q136R.
Identifiers: ClinVar variation 4807800 (VCV004807800.1).